The following is an entry in ClinVar:

ClinVar aggregate classification (germline): Likely benign (1 of 4 stars; one submission).

gnomAD v4.1: 2 of 1,557,764 alleles (0.00013%); highest among the groups gnomAD compares: Non-Finnish European, 0.00017%; no homozygotes.

Submission:

CeGaT Center for Human Genetics Tuebingen
Classification: Likely benign. Last evaluated: 2025-08-01. Review status: criteria provided, single submitter. Criteria: CeGaT Center For Human Genetics Tuebingen Variant Classification Criteria Version 2. Collection method: clinical testing. Allele origin: germline. Affected: yes. Observed: 1 variant allele.
Comment: RYR3: BP4, BP7

NM_001036.6(RYR3):c.4470G>T (p.Leu1490=)

Gene: RYR3 (ryanodine receptor 3; plus strand). Cytogenetic location: 15q14.
Variant type: single nucleotide variant.
Coding change: c.4470G>T on transcript NM_001036.6 (MANE Select); coding-DNA position 4470, G replaced by T.
Protein change: p.Leu1490=; no amino-acid change (leucine 1490 retained).
Molecular consequence: synonymous variant.
Genome position (GRCh38, 1-based): chr15:33,660,271, G>T. VCF-style: chr15-33660271-G-T. GRCh37 (hg19) VCF-style: chr15-33952472-G-T.
Other names: c.4470G>T, p.Leu1490= (NM_001243996.4).
Identifiers: ClinVar variation 4085887 (VCV004085887.8).
Genomic context (GRCh38, chr15:33,660,271, plus strand): 5'-GTCAGCGGCCATATTCAGGAGTGAAGAGAAGAACCCAGTCCCACAGTGTCCACCTCGGCT[G>T]GACGTCCAAACCATCCAGCCCGTGCTCTGGAGCCGCATGCCCAACAGCTTCCTGAAGGTG-3'
Protein context (NP_001027.3, residues 1480-1500): KNPVPQCPPR[Leu1490=]DVQTIQPVLW